The following is an entry in ClinVar:

NM_000116.5(TAFAZZIN):c.786G>A (p.Met262Ile)

Gene: TAFAZZIN (tafazzin, phospholipid-lysophospholipid transacylase; plus strand). Cytogenetic location: Xq28.
Variant type: single nucleotide variant.
Coding change: c.786G>A on transcript NM_000116.5 (MANE Select); coding-DNA position 786, G replaced by A.
Protein change: p.Met262Ile; replaces methionine 262 with isoleucine.
Molecular consequence: missense variant. On other transcripts: non-coding transcript variant (1).
Genome position (GRCh38, 1-based): chrX:154,420,911, G>A. VCF-style: chrX-154420911-G-A. GRCh37 (hg19) VCF-style: chrX-153649250-G-A.
Other names: c.798G>A, p.Met266Ile (NM_001303465.2); c.750G>A, p.Met250Ile (NM_001410698.1); c.840G>A, p.Met280Ile (NM_001440856.1); c.708G>A, p.Met236Ile (NM_001440857.1); c.573G>A, p.Met191Ile (NM_001440858.1); c.696G>A, p.Met232Ile (NM_181311.4); c.744G>A, p.Met248Ile (NM_181312.4); c.654G>A, p.Met218Ile (NM_181313.4); short protein forms M191I, M218I, M266I, M232I, M248I, M250I, M280I, M262I.
Identifiers: ClinVar variation 4705845 (VCV004705845.1).

ClinVar aggregate classification (germline): Uncertain significance (1 of 4 stars; one submission).

Conditions:
3-Methylglutaconic aciduria type 2 (BTHS). Also called: Barth syndrome; CARDIOSKELETAL MYOPATHY WITH NEUTROPENIA AND ABNORMAL MITOCHONDRIA. Identifiers: Orphanet 111, MedGen C0574083, MONDO:0010543, OMIM 302060.

Submission:

Labcorp Genetics (formerly Invitae), Labcorp
Classification: Uncertain significance for 3-Methylglutaconic aciduria type 2. Last evaluated: 2025-11-26. Review status: criteria provided, single submitter. Criteria: Invitae Variant Classification Sherloc (09022015). Collection method: clinical testing. Allele origin: germline.
Comment: This sequence change replaces methionine, which is neutral and non-polar, with isoleucine, which is neutral and non-polar, at codon 262 of the TAZ protein (p.Met262Ile). This variant is not present in population databases (gnomAD no frequency). This variant has not been reported in the literature in individuals affected with TAZ-related conditions. An algorithm developed to predict the effect of missense changes on protein structure and function outputs the following: PolyPhen-2: "Benign". The isoleucine amino acid residue is found in multiple mammalian species, which suggests that this missense change does not adversely affect protein function. In summary, the available evidence is currently insufficient to determine the role of this variant in disease. Therefore, it has been classified as a Variant of Uncertain Significance.